The following is an entry in ClinVar:

NM_001093.4(ACACB):c.5057C>G (p.Pro1686Arg)

Gene: ACACB (acetyl-CoA carboxylase beta; plus strand). Cytogenetic location: 12q24.11.
Variant type: single nucleotide variant.
Coding change: c.5057C>G on transcript NM_001093.4 (MANE Select); coding-DNA position 5057, C replaced by G.
Protein change: p.Pro1686Arg; replaces proline 1686 with arginine.
Molecular consequence: missense variant.
Genome position (GRCh38, 1-based): chr12:109,242,471, C>G. VCF-style: chr12-109242471-C-G. GRCh37 (hg19) VCF-style: chr12-109680276-C-G.
Other names: short protein forms P1686R.
Identifiers: ClinVar variation 733527 (VCV000733527.5), dbSNP rs61739667, ClinGen allele CA6774623.

ClinVar aggregate classification (germline): Benign. Review status: criteria provided, single submitter (1 of 4 stars). 2 submissions from 2 submitters: Benign (1). 1 of the submissions does not count toward it. Last evaluated 2018-10-09.

Conditions:
ACACB-related disorder. Also called: ACACB-related condition.

Allele frequency attached by ClinVar (database versions not stated): gnomAD 0.00074; TOPMed 0.00082; gnomAD exomes 0.00095; ESP Exome Variant Server 0.00100; 1000 Genomes Project 30x 0.00265; 1000 Genomes Project 0.00319.
gnomAD v4.1: 1,611 of 1,614,016 alleles (0.1%); highest among the groups gnomAD compares: South Asian, 1.1%; 13 homozygotes.

Submissions (2):

Labcorp Genetics (formerly Invitae), Labcorp
Classification: Benign. Last evaluated: 2018-10-09. Review status: criteria provided, single submitter. Criteria: Invitae Variant Classification Sherloc (09022015). Collection method: clinical testing. Allele origin: germline.

PreventionGenetics, part of Exact Sciences
Classification: Benign for ACACB-related condition. Last evaluated: 2019-06-28. Review status: no assertion criteria provided. Collection method: clinical testing. Allele origin: germline. Not counted in ClinVar's aggregate classification.
Comment: This variant is classified as benign based on ACMG/AMP sequence variant interpretation guidelines (Richards et al. 2015 PMID: 25741868, with internal and published modifications).